The following is an entry in ClinVar:

ClinVar aggregate classification (germline): Uncertain significance. Review status: criteria provided, multiple submitters, no conflicts (2 of 4 stars). 2 submissions from 2 submitters: Uncertain significance (2). Last evaluated 2024-06-30.

Conditions:
Developmental and epileptic encephalopathy 94 (DEE94). Also called: Epileptic encephalopathy, childhood-onset; CHD2-Related Neurodevelopmental Disorders. Identifiers: Orphanet 1942, Orphanet 2382, MedGen C3809278, MONDO:0014150, OMIM 615369.

Allele frequency attached by ClinVar (database versions not stated): gnomAD exomes below 0.00001; TOPMed below 0.00001; gnomAD 0.00001.
gnomAD v4.1: 3 of 1,612,430 alleles (0.00019%); highest among the groups gnomAD compares: Non-Finnish European, 0.00025%; no homozygotes.

Submissions (2):

Labcorp Genetics (formerly Invitae), Labcorp
Classification: Uncertain significance for Developmental and epileptic encephalopathy 94. Last evaluated: 2024-06-30. Review status: criteria provided, single submitter. Criteria: Invitae Variant Classification Sherloc (09022015). Collection method: clinical testing. Allele origin: germline.
Comment: This sequence change falls in intron 35 of the CHD2 gene. It does not directly change the encoded amino acid sequence of the CHD2 protein. It affects a nucleotide within the consensus splice site. This variant is not present in population databases (gnomAD no frequency). This variant has not been reported in the literature in individuals affected with CHD2-related conditions. ClinVar contains an entry for this variant (Variation ID: 2505575). Variants that disrupt the consensus splice site are a relatively common cause of aberrant splicing (PMID: 17576681, 9536098). Algorithms developed to predict the effect of sequence changes on RNA splicing suggest that this variant is not likely to affect RNA splicing. In summary, the available evidence is currently insufficient to determine the role of this variant in disease. Therefore, it has been classified as a Variant of Uncertain Significance.

Dr. med. U. Finckh, Human Genetics, Eurofins MVZ
Classification: Uncertain significance for Developmental and epileptic encephalopathy 94. Review status: criteria provided, single submitter. Criteria: ACMG Guidelines, 2015. Collection method: clinical testing. Allele origin: unknown.

Literature cited by the submitters: PubMed 17576681 (cited by Labcorp Genetics (formerly Invitae), Labcorp); PubMed 9536098 (cited by Labcorp Genetics (formerly Invitae), Labcorp).

NM_001271.4(CHD2):c.4592+5C>T

Gene: CHD2 (chromodomain helicase DNA binding protein 2; plus strand). Cytogenetic location: 15q26.1.
Variant type: single nucleotide variant.
Coding change: c.4592+5C>T on transcript NM_001271.4 (MANE Select); 5 bases into the intron after coding-DNA position 4592, C replaced by T.
Molecular consequence: intron variant.
Genome position (GRCh38, 1-based): chr15:93,009,328, C>T. VCF-style: chr15-93009328-C-T. GRCh37 (hg19) VCF-style: chr15-93552558-C-T.
Identifiers: ClinVar variation 2505575 (VCV002505575.4), dbSNP rs867603592, ClinGen allele CA274885164.
Genomic context (GRCh38, chr15:93,009,328, plus strand): 5'-ATAGCCGAGTGCCTTAAAGCCTACTCAGATCAGGAGCACATCAAACTCTGGAGGAGGTAA[C>T]CACTTTGGCCTCGTCTGCCCAGTTTGATTTGACTGAGTGTGGGAGTGGATTCTGTTTTCT-3'